The following is an entry in ClinVar:

NM_173354.5(SIK1):c.1661C>T (p.Ala554Val)

Gene: SIK1 (salt inducible kinase 1; minus strand). Cytogenetic location: 21q22.3.
Variant type: single nucleotide variant.
Coding change: c.1661C>T on transcript NM_173354.5 (MANE Select); coding-DNA position 1661, C replaced by T.
Protein change: p.Ala554Val; replaces alanine 554 with valine.
Molecular consequence: missense variant.
Genome position (GRCh38, 1-based): chr21:43,418,343, G>A on the plus strand (C>T on the coding strand, the complement: SIK1 is on the minus strand). VCF-style: chr21-43418343-G-A. GRCh37 (hg19) VCF-style: chr21-44838223-G-A.
Other names: short protein forms A554V.
Identifiers: ClinVar variation 1914401 (VCV001914401.5), dbSNP rs2516965220, ClinGen allele CA410607563.

ClinVar aggregate classification (germline): Uncertain significance (1 of 4 stars; one submission).

Conditions:
Developmental and epileptic encephalopathy, 30 (DEE30). Also called: Epileptic encephalopathy, early infantile, 30. Identifiers: MedGen C4225360, MONDO:0014595, OMIM 616341.

Submission:

Labcorp Genetics (formerly Invitae), Labcorp
Classification: Uncertain significance for Developmental and epileptic encephalopathy, 30. Last evaluated: 2024-05-15. Review status: criteria provided, single submitter. Criteria: Invitae Variant Classification Sherloc (09022015). Collection method: clinical testing. Allele origin: germline.
Comment: This sequence change replaces alanine, which is neutral and non-polar, with valine, which is neutral and non-polar, at codon 554 of the SIK1 protein (p.Ala554Val). This variant is not present in population databases (gnomAD no frequency). This variant has not been reported in the literature in individuals affected with SIK1-related conditions. ClinVar contains an entry for this variant (Variation ID: 1914401). Advanced modeling of protein sequence and biophysical properties (such as structural, functional, and spatial information, amino acid conservation, physicochemical variation, residue mobility, and thermodynamic stability) performed at Invitae indicates that this missense variant is not expected to disrupt SIK1 protein function with a negative predictive value of 95%. In summary, the available evidence is currently insufficient to determine the role of this variant in disease. Therefore, it has been classified as a Variant of Uncertain Significance.